The following is an entry in ClinVar:

NM_004153.4(ORC1):c.1645C>T (p.Arg549Cys)

Gene: ORC1 (origin recognition complex subunit 1; minus strand). Cytogenetic location: 1p32.3.
Variant type: single nucleotide variant.
Coding change: c.1645C>T on transcript NM_004153.4 (MANE Select); coding-DNA position 1645, C replaced by T.
Protein change: p.Arg549Cys; replaces arginine 549 with cysteine.
Molecular consequence: missense variant.
Genome position (GRCh38, 1-based): chr1:52,384,660, G>A on the plus strand (C>T on the coding strand, the complement: ORC1 is on the minus strand). VCF-style: chr1-52384660-G-A. GRCh37 (hg19) VCF-style: chr1-52850332-G-A.
Other names: c.1645C>T, p.Arg549Cys (NM_001190818.2); c.1630C>T, p.Arg544Cys (NM_001190819.2); short protein forms R544C, R549C.
Identifiers: ClinVar variation 875829 (VCV000875829.9), dbSNP rs148581880, ClinGen allele CA853251.

ClinVar aggregate classification (germline): Uncertain significance. Review status: criteria provided, multiple submitters, no conflicts (2 of 4 stars). 3 submissions from 3 submitters: Uncertain significance (3). Last evaluated 2021-09-17.

Conditions:
Meier-Gorlin syndrome 1 (MGORS1). Also called: EAR, PATELLA, SHORT STATURE SYNDROME. Identifiers: Orphanet 2554, MedGen C4552001, MONDO:0009143, OMIM 224690.
Inborn genetic diseases. Identifiers: MedGen C0950123, MeSH D030342.

Allele frequency attached by ClinVar (database versions not stated): gnomAD 0.00005 and 0.00006; gnomAD exomes 0.00006; TOPMed 0.00007; ExAC 0.00008; ESP Exome Variant Server 0.00031.
gnomAD v4.1: 68 of 1,613,174 alleles (0.0042%); highest among the groups gnomAD compares: Middle Eastern, 0.016%; no homozygotes.

Submissions (3):

Labcorp Genetics (formerly Invitae), Labcorp
Classification: Uncertain significance. Last evaluated: 2021-09-17. Review status: criteria provided, single submitter. Criteria: Invitae Variant Classification Sherloc (09022015). Collection method: clinical testing. Allele origin: germline.
Comment: This sequence change replaces arginine with cysteine at codon 549 of the ORC1 protein (p.Arg549Cys). The arginine residue is highly conserved and there is a large physicochemical difference between arginine and cysteine. This variant is present in population databases (rs148581880, ExAC 0.02%). This variant has not been reported in the literature in individuals affected with ORC1-related conditions. ClinVar contains an entry for this variant (Variation ID: 875829). Algorithms developed to predict the effect of missense changes on protein structure and function output the following: SIFT: "Tolerated"; PolyPhen-2: "Benign"; Align-GVGD: "Class C0". The cysteine amino acid residue is found in multiple mammalian species, which suggests that this missense change does not adversely affect protein function. In summary, the available evidence is currently insufficient to determine the role of this variant in disease. Therefore, it has been classified as a Variant of Uncertain Significance.

Ambry Genetics
Classification: Uncertain significance for Inborn genetic diseases. Last evaluated: 2021-06-18. Review status: criteria provided, single submitter. Criteria: Ambry Variant Classification Scheme 2023. Collection method: clinical testing. Allele origin: germline.

Illumina Laboratory Services, Illumina
Classification: Uncertain significance for Meier-Gorlin syndrome 1. Last evaluated: 2018-01-13. Review status: criteria provided, single submitter. Criteria: ICSL Variant Classification Criteria 13 December 2019. Collection method: clinical testing. Allele origin: germline.